The following is an entry in ClinVar:

NM_014339.7(IL17RA):c.812G>A (p.Arg271His)

Gene: IL17RA (interleukin 17 receptor A; plus strand). Cytogenetic location: 22q11.1.
Variant type: single nucleotide variant.
Coding change: c.812G>A on transcript NM_014339.7 (MANE Select); coding-DNA position 812, G replaced by A.
Protein change: p.Arg271His; replaces arginine 271 with histidine.
Molecular consequence: missense variant.
Genome position (GRCh38, 1-based): chr22:17,103,543, G>A. VCF-style: chr22-17103543-G-A. GRCh37 (hg19) VCF-style: chr22-17584433-G-A.
Other names: c.812G>A, p.Arg271His (NM_001289905.2); c.812G>A (NM_014339.5); short protein forms R271H.
Identifiers: ClinVar variation 340580 (VCV000340580.13), dbSNP rs775839180, ClinGen allele CA10086498.

ClinVar aggregate classification (germline): Conflicting classifications of pathogenicity. Review status: criteria provided, conflicting classifications (1 of 4 stars). 4 submissions from 4 submitters: Uncertain significance (3); Likely benign (1). Last evaluated 2022-02-05.

Conditions:
Immunodeficiency 51 (IMD51). Also called: CANDIDIASIS, FAMILIAL, 5. Identifiers: Orphanet 1334, MedGen C4310803, MONDO:0013500, OMIM 613953.

Allele frequency attached by ClinVar (database versions not stated): ExAC 0.00006; gnomAD 0.00006; gnomAD exomes 0.00006; TOPMed 0.00008.

Submissions (4):

Labcorp Genetics (formerly Invitae), Labcorp
Classification: Uncertain significance for Immunodeficiency 51. Last evaluated: 2022-02-05. Review status: criteria provided, single submitter. Criteria: Invitae Variant Classification Sherloc (09022015). Collection method: clinical testing. Allele origin: germline.
Comment: This sequence change replaces arginine, which is basic and polar, with histidine, which is basic and polar, at codon 271 of the IL17RA protein (p.Arg271His). This variant is present in population databases (rs775839180, gnomAD 0.01%). This variant has not been reported in the literature in individuals affected with IL17RA-related conditions. ClinVar contains an entry for this variant (Variation ID: 340580). Algorithms developed to predict the effect of missense changes on protein structure and function output the following: SIFT: "Tolerated"; PolyPhen-2: "Benign"; Align-GVGD: "Class C0". The histidine amino acid residue is found in multiple mammalian species, which suggests that this missense change does not adversely affect protein function. In summary, the available evidence is currently insufficient to determine the role of this variant in disease. Therefore, it has been classified as a Variant of Uncertain Significance.

Ambry Genetics
Classification: Likely benign. Last evaluated: 2021-09-16. Review status: criteria provided, single submitter. Criteria: Ambry Variant Classification Scheme 2023. Collection method: clinical testing. Allele origin: germline.

Illumina Laboratory Services, Illumina
Classification: Uncertain significance for Immunodeficiency 51. Last evaluated: 2018-01-13. Review status: criteria provided, single submitter. Criteria: ICSL Variant Classification Criteria 13 December 2019. Collection method: clinical testing. Allele origin: germline.

Breakthrough Genomics
Classification: Uncertain significance. Review status: criteria provided, single submitter. Criteria: ACMG Guidelines, 2015. Collection method: not provided. Allele origin: germline. Inheritance: Autosomal dominant inheritance. Affected: yes.